The following is an entry in ClinVar:

NM_005475.3(SH2B3):c.1040T>G (p.Leu347Arg)

Gene: SH2B3 (SH2B adaptor protein 3; plus strand). Cytogenetic location: 12q24.12.
Variant type: single nucleotide variant.
Coding change: c.1040T>G on transcript NM_005475.3 (MANE Select); coding-DNA position 1040, T replaced by G.
Protein change: p.Leu347Arg; replaces leucine 347 with arginine.
Molecular consequence: missense variant.
Genome position (GRCh38, 1-based): chr12:111,447,348, T>G. VCF-style: chr12-111447348-T-G. GRCh37 (hg19) VCF-style: chr12-111885152-T-G.
Other names: c.434T>G, p.Leu145Arg (NM_001291424.1); short protein forms L347R, L145R.
Identifiers: ClinVar variation 3440765 (VCV003440765.1).
Genomic context (GRCh38, chr12:111,447,348, plus strand): 5'-AGGTAGCCCCCTGCGACCACCATCACCCATCTTATCTAACAGGTGCTTCTCCTGGGGGGC[T>G]GCTGGACCCGGCCTGCCAGAAGACGGACCATTTCCTGTCCTGCTACCCCTGGTTCCACGG-3'
Protein context (NP_005466.1, residues 337-357): SLNQGASPGG[Leu347Arg]LDPACQKTDH

ClinVar aggregate classification (germline): Uncertain significance (1 of 4 stars; one submission).

Conditions:
Inborn genetic diseases. Identifiers: MedGen C0950123, MeSH D030342.

gnomAD v4.1: 1 of 1,613,988 alleles (0.000062%); highest among the groups gnomAD compares: Admixed American, 0.0017%; no homozygotes.

Submission:

Ambry Genetics
Classification: Uncertain significance for Inborn genetic diseases. Last evaluated: 2024-11-22. Review status: criteria provided, single submitter. Criteria: Ambry Variant Classification Scheme 2023. Collection method: clinical testing. Allele origin: germline.
Comment: The p.L347R variant (also known as c.1040T>G), located in coding exon 5 of the SH2B3 gene, results from a T to G substitution at nucleotide position 1040. The leucine at codon 347 is replaced by arginine, an amino acid with dissimilar properties. This amino acid position is conserved. In addition, this alteration is predicted to be tolerated by in silico analysis. Based on the available evidence, the clinical significance of this variant remains unclear.